The following is an entry in ClinVar:

NM_001875.5(CPS1):c.783C>T (p.Ile261=)

Gene: CPS1 (carbamoyl-phosphate synthase 1; plus strand). Cytogenetic location: 2q34.
Variant type: single nucleotide variant.
Coding change: c.783C>T on transcript NM_001875.5 (MANE Select); coding-DNA position 783, C replaced by T.
Protein change: p.Ile261=; no amino-acid change (isoleucine 261 retained).
Molecular consequence: synonymous variant. On other transcripts: non-coding transcript variant (1).
Genome position (GRCh38, 1-based): chr2:210,590,177, C>T. VCF-style: chr2-210590177-C-T. GRCh37 (hg19) VCF-style: chr2-211454901-C-T.
Other names: c.783C>T (LRG_336t1); c.783C>T, p.Ile261= (NM_001122633.3, NM_001369257.1); c.816C>T, p.Ile272= (NM_001369256.1).
Identifiers: ClinVar variation 334016 (VCV000334016.44), dbSNP rs142468138, ClinGen allele CA2086139.

ClinVar aggregate classification (germline): Conflicting classifications of pathogenicity. Review status: criteria provided, conflicting classifications (1 of 4 stars). 7 submissions from 7 submitters: Uncertain significance (1); Benign (1); Likely benign (3). 2 of the submissions do not count toward it. Last evaluated 2026-02-04.

Conditions:
CPS1-related disorder. Also called: CPS1-related condition.
Congenital hyperammonemia, type I. Also called: Carbamoyl-phosphate synthase I deficiency; CPS I DEFICIENCY; Carbamoyl phosphate synthetase I deficiency disease; Carbamoyl phosphate synthetase 1 deficiency; Hyperammonemia due to carbamoyl phosphate synthetase 1 deficiency; CPS 1 deficiency. Identifiers: Orphanet 147, MedGen C4082171, MONDO:0009376, OMIM 237300.

Allele frequency attached by ClinVar (database versions not stated): 1000 Genomes Project 30x 0.00047; 1000 Genomes Project 0.00060; gnomAD 0.00101 and 0.00174; gnomAD exomes 0.00127; ExAC 0.00146; ESP Exome Variant Server 0.00161; TOPMed 0.00173.
gnomAD v4.1: 2,326 of 1,612,856 alleles (0.14%); highest among the groups gnomAD compares: Non-Finnish European, 0.17%; 6 homozygotes.

Submissions (7):

Labcorp Genetics (formerly Invitae), Labcorp
Classification: Benign for Congenital hyperammonemia, type I. Last evaluated: 2026-02-04. Review status: criteria provided, single submitter. Criteria: Invitae Variant Classification Sherloc (09022015). Collection method: clinical testing. Allele origin: germline.

Blueprint Genetics
Classification: Likely benign. Last evaluated: 2024-10-17. Review status: criteria provided, single submitter. Criteria: ACMG Guidelines, 2015. Collection method: clinical testing. Allele origin: germline.

CeGaT Center for Human Genetics Tuebingen
Classification: Likely benign. Last evaluated: 2024-01-01. Review status: criteria provided, single submitter. Criteria: CeGaT Center For Human Genetics Tuebingen Variant Classification Criteria Version 2. Collection method: clinical testing. Allele origin: germline. Affected: yes. Observed: 4 variant alleles.
Comment: CPS1: BP4, BP7

Illumina Laboratory Services, Illumina
Classification: Uncertain significance for Congenital hyperammonemia, type I. Last evaluated: 2018-01-13. Review status: criteria provided, single submitter. Criteria: ICSL Variant Classification Criteria 13 December 2019. Collection method: clinical testing. Allele origin: germline.

GeneDx
Classification: Likely benign. Last evaluated: 2017-10-05. Review status: criteria provided, single submitter. Criteria: GeneDx Variant Classification (06012015). Collection method: clinical testing. Allele origin: germline. Affected: yes.
Comment: This variant is considered likely benign or benign based on one or more of the following criteria: it is a conservative change, it occurs at a poorly conserved position in the protein, it is predicted to be benign by multiple in silico algorithms, and/or has population frequency not consistent with disease.

PreventionGenetics, part of Exact Sciences
Classification: Likely benign for CPS1-related condition. Last evaluated: 2019-11-15. Review status: no assertion criteria provided. Collection method: clinical testing. Allele origin: germline. Not counted in ClinVar's aggregate classification.
Comment: This variant is classified as likely benign based on ACMG/AMP sequence variant interpretation guidelines (Richards et al. 2015 PMID: 25741868, with internal and published modifications).

Natera, Inc.
Classification: Likely benign for Carbamoyl-phosphate synthase I deficiency. Last evaluated: 2019-10-23. Review status: no assertion criteria provided. Collection method: clinical testing. Allele origin: germline. Not counted in ClinVar's aggregate classification.